The following continues an entry in ClinVar:

NM_002834.5(PTPN11):c.1504T>A (p.Ser502Thr)

Gene: PTPN11. ClinVar aggregate classification (germline): Pathogenic. Pathogenic (13).

Submissions 10 to 15 of 15:

Fulgent Genetics
Classification: Pathogenic for LEOPARD syndrome 1; Metachondromatosis; Noonan syndrome 1; Juvenile myelomonocytic leukemia. Last evaluated: 2021-10-27. Review status: criteria provided, single submitter. Criteria: ACMG Guidelines, 2015. Collection method: clinical testing. Allele origin: unknown.

Baylor Genetics
Classification: Pathogenic for Noonan syndrome 1. Last evaluated: 2019-11-18. Review status: criteria provided, single submitter. Criteria: ACMG Guidelines, 2015. Collection method: clinical testing. Allele origin: unknown. Affected: yes.
Comment: This variant was determined to be pathogenic according to ACMG Guidelines, 2015 [PMID:25741868].

ARUP Laboratories, Molecular Genetics and Genomics, ARUP Laboratories
Classification: Pathogenic for Noonan syndrome. Last evaluated: 2018-01-22. Review status: criteria provided, single submitter. Criteria: ARUP Molecular Germline Variant Investigation Process. Collection method: clinical testing. Allele origin: germline.
Comment: The p.Ser502Thr variant (rs121918458) has been reported in multiple patients diagnosed with Noonan syndrome (Niihori 2005, Tartaglia 2006, van Trier 2016, Yoshida 2004), and reported as a presumed de-novo variant (Joyce 2016, Kondoh 2003, Maheshwari 2002). The serine residue is located in the phospho-tyrosine phosphatase domain of PTPN11, and interacts with the N-SH2 domain to mediate regulatory inhibition (Hof 1998). Functional characterization of the p.Ser502Thr protein indicates increased catalytic activity of the phosphatase (Niihori 2005), consistent with the established disease mechanisms of Noonan syndrome.

Center for Human Genetics, Inc
Classification: Pathogenic for Noonan syndrome 1. Last evaluated: 2016-11-01. Review status: criteria provided, single submitter. Criteria: ACMG Guidelines, 2015. Collection method: clinical testing. Allele origin: germline. Affected: yes.

Laboratory for Molecular Medicine, Mass General Brigham Personalized Medicine
Classification: Pathogenic for Noonan syndrome; Juvenile myelomonocytic leukemia. Last evaluated: 2015-09-29. Review status: no assertion criteria provided. Collection method: clinical testing. Allele origin: germline. Inheritance: Autosomal dominant inheritance. Observed: 2 variant alleles. Not counted in ClinVar's aggregate classification.
Comment: proposed classification - variant undergoing re-assessment, contact laboratory

OMIM
Classification: Pathogenic for NOONAN SYNDROME 1. Last evaluated: 2003-07-01. Review status: no assertion criteria provided. Collection method: literature only. Allele origin: germline. Not counted in ClinVar's aggregate classification.

Literature cited by the submitters: PubMed 11992261 (cited by Victorian Clinical Genetics Services, Murdoch Childrens Research Institute); PubMed 24935154 (cited by Victorian Clinical Genetics Services, Murdoch Childrens Research Institute); PubMed 20301303 (cited by Victorian Clinical Genetics Services, Murdoch Childrens Research Institute); PubMed 32164556 (cited by 4 submitters); PubMed 21533187 (cited by Victorian Clinical Genetics Services, Murdoch Childrens Research Institute); PubMed 15834506 (cited by Dasa and Laboratory for Molecular Medicine, Mass General Brigham Personalized Medicine); PubMed 12325025 (cited by 6 submitters); PubMed 17020470 (cited by 3 submitters); PubMed 15928039 (cited by 3 submitters); PubMed 18470943 (cited by Labcorp Genetics (formerly Invitae), Labcorp); PubMed 19020799 (cited by Labcorp Genetics (formerly Invitae), Labcorp); PubMed 27521173 (cited by Labcorp Genetics (formerly Invitae), Labcorp); PubMed 15240615 (cited by Ambry Genetics and Laboratory for Molecular Medicine, Mass General Brigham Personalized Medicine); PubMed 16358218 (cited by Ambry Genetics and Laboratory for Molecular Medicine, Mass General Brigham Personalized Medicine); PubMed 25862627 (cited by Ambry Genetics); PubMed 26242988 (cited by Ambry Genetics); PubMed 38540404 (cited by Ambry Genetics); PubMed 12739139 (cited by Laboratory for Molecular Medicine, Mass General Brigham Personalized Medicine and OMIM).